The following is an entry in ClinVar:

ClinVar aggregate classification (germline): Likely benign. Review status: criteria provided, single submitter (1 of 4 stars). 2 submissions from 2 submitters: Likely benign (1). 1 of the submissions does not count toward it. Last evaluated 2025-04-29.

Conditions:
Severe combined immunodeficiency due to CORO1A deficiency. Also called: Immunodeficiency 8; IMMUNODEFICIENCY 8 WITH LYMPHOPROLIFERATION. Identifiers: Orphanet 228003, MedGen C3809383, MONDO:0014168, OMIM 615401.
CORO1A-related disorder. Also called: CORO1A-related condition.

Allele frequency attached by ClinVar (database versions not stated): gnomAD exomes 0.00001; TOPMed 0.00001.

Submissions (2):

Labcorp Genetics (formerly Invitae), Labcorp
Classification: Likely benign for Severe combined immunodeficiency due to CORO1A deficiency. Last evaluated: 2025-04-29. Review status: criteria provided, single submitter. Criteria: Invitae Variant Classification Sherloc (09022015). Collection method: clinical testing. Allele origin: germline.

PreventionGenetics, part of Exact Sciences
Classification: Likely benign for CORO1A-related condition. Last evaluated: 2019-09-17. Review status: no assertion criteria provided. Collection method: clinical testing. Allele origin: germline. Not counted in ClinVar's aggregate classification.
Comment: This variant is classified as likely benign based on ACMG/AMP sequence variant interpretation guidelines (Richards et al. 2015 PMID: 25741868, with internal and published modifications).

NM_007074.4(CORO1A):c.519G>A (p.Glu173=)

Gene: CORO1A (coronin 1A; plus strand). Cytogenetic location: 16p11.2.
Variant type: single nucleotide variant.
Coding change: c.519G>A on transcript NM_007074.4 (MANE Select); coding-DNA position 519, G replaced by A.
Protein change: p.Glu173=; no amino-acid change (glutamic acid 173 retained).
Molecular consequence: synonymous variant.
Genome position (GRCh38, 1-based): chr16:30,187,106, G>A. VCF-style: chr16-30187106-G-A. GRCh37 (hg19) VCF-style: chr16-30198427-G-A.
Other names: c.519G>A, p.Glu173= (NM_001193333.3).
Identifiers: ClinVar variation 3040184 (VCV003040184.4), dbSNP rs199752871, ClinGen allele CA280450028.